The following is an entry in ClinVar:

NM_004612.4(TGFBR1):c.451C>T (p.Arg151Cys)

Gene: TGFBR1 (transforming growth factor beta receptor 1; plus strand). Cytogenetic location: 9q22.33.
Variant type: single nucleotide variant.
Coding change: c.451C>T on transcript NM_004612.4 (MANE Select); coding-DNA position 451, C replaced by T.
Protein change: p.Arg151Cys; replaces arginine 151 with cysteine.
Molecular consequence: missense variant. On other transcripts: intron variant (1).
Genome position (GRCh38, 1-based): chr9:99,132,616, C>T. VCF-style: chr9-99132616-C-T. GRCh37 (hg19) VCF-style: chr9-101894898-C-T.
Other names: c.463C>T, p.Arg155Cys (NM_001306210.2); c.343+3516C>T (NM_001130916.3); short protein forms R151C, R155C.
Identifiers: ClinVar variation 659659 (VCV000659659.58), dbSNP rs776680716, ClinGen allele CA063558.

ClinVar aggregate classification (germline): Uncertain significance. Review status: criteria provided, multiple submitters, no conflicts (2 of 4 stars). 6 submissions from 6 submitters: Uncertain significance (6). Last evaluated 2025-09-04.

Conditions:
Loeys-Dietz syndrome 1 (LDS1). Also called: AORTIC ANEURYSM, FAMILIAL THORACIC 5; TGFBR1-Related Loeys-Dietz Syndrome; FURLONG SYNDROME. Identifiers: Orphanet 60030, MedGen C4551955, MONDO:0012212, OMIM 609192.
Multiple self-healing squamous epithelioma (MSSE). Also called: MULTIPLE SELF-HEALING SQUAMOUS EPITHELIOMA, SUSCEPTIBILITY TO. Identifiers: Orphanet 65748, MedGen C0546476, MONDO:0007566, OMIM 132800.
Loeys-Dietz syndrome (LDS). Identifiers: Orphanet 60030, MedGen C2697932, MONDO:0018954.
Familial thoracic aortic aneurysm and aortic dissection (TAAD). Also called: Thoracic aortic aneurysms and dissections. Identifiers: Orphanet 91387, MedGen C4707243, MONDO:0019625.

Allele frequency attached by ClinVar (database versions not stated): gnomAD 0.00001; TOPMed 0.00001; ExAC 0.00002; gnomAD exomes 0.00002.

Submissions (6):

Color Diagnostics, LLC DBA Color Health
Classification: Uncertain significance for Familial thoracic aortic aneurysm and aortic dissection. Last evaluated: 2025-09-04. Review status: criteria provided, single submitter. Criteria: ACMG Guidelines, 2015. Collection method: clinical testing. Allele origin: germline.
Comment: This variant is located in the TGFBR1 protein. Computational prediction suggests that this variant may not impact protein structure and function. To our knowledge, functional studies have not been reported for this variant. This variant has been reported in an individual affected with thoracic aortic disease (PMID: 27879313). This variant has not been identified in the general population by the Genome Aggregation Database (gnomAD). The available evidence is insufficient to determine the role of this variant in disease conclusively. Therefore, this variant is classified as a Variant of Uncertain Significance.

Labcorp Genetics (formerly Invitae), Labcorp
Classification: Uncertain significance for Familial thoracic aortic aneurysm and aortic dissection. Last evaluated: 2025-07-27. Review status: criteria provided, single submitter. Criteria: Invitae Variant Classification Sherloc (09022015). Collection method: clinical testing. Allele origin: germline.
Comment: This sequence change replaces arginine, which is basic and polar, with cysteine, which is neutral and slightly polar, at codon 151 of the TGFBR1 protein (p.Arg151Cys). This variant is not present in population databases (gnomAD no frequency). This missense change has been observed in individual(s) with thoracic aortic aneurysm and dissection (PMID: 27879313). ClinVar contains an entry for this variant (Variation ID: 659659). Invitae Evidence Modeling of protein sequence and biophysical properties (such as structural, functional, and spatial information, amino acid conservation, physicochemical variation, residue mobility, and thermodynamic stability) indicates that this missense variant is not expected to disrupt TGFBR1 protein function with a negative predictive value of 95%. In summary, the available evidence is currently insufficient to determine the role of this variant in disease. Therefore, it has been classified as a Variant of Uncertain Significance.

All of Us Research Program, National Institutes of Health
Classification: Uncertain significance for Loeys-Dietz syndrome. Last evaluated: 2024-01-08. Review status: criteria provided, single submitter. Criteria: ACMG Guidelines, 2015. Collection method: clinical testing. Allele origin: germline. Inheritance: Autosomal dominant inheritance. Observed: 3 variant alleles, 3 heterozygotes.
Comment: Variant of Uncertain Significance due to insufficient evidence: This missense variant is located in the cytoplasmic domain of the TGFBR1 protein. Computational prediction tools and conservation analyses are inconclusive regarding the impact of this variant on the protein function. Computational splicing tools suggest that this variant may not impact RNA splicing. To our knowledge, functional assays have not been performed for this variant nor has this variant been reported in individuals affected with cardiovascular disorders in the literature. This variant is rare in the general population and has been identified in 0/277264 chromosomes by the Genome Aggregation Database (gnomAD). Available evidence is insufficient to determine the pathogenicity of this variant conclusively.

This study involves interpretation of variants in research participants for the purpose of population health screening. Participant phenotype was not available at the time of variant classification. Additional details can be found in publication PMID: 35346344, PMCID: PMC8962531

Fulgent Genetics
Classification: Uncertain significance for Multiple self-healing squamous epithelioma; Loeys-Dietz syndrome 1. Last evaluated: 2021-08-10. Review status: criteria provided, single submitter. Criteria: ACMG Guidelines, 2015. Collection method: clinical testing. Allele origin: unknown.

CeGaT Center for Human Genetics Tuebingen
Classification: Uncertain significance. Last evaluated: 2021-06-01. Review status: criteria provided, single submitter. Criteria: CeGaT Center For Human Genetics Tuebingen Variant Classification Criteria Version 2. Collection method: clinical testing. Allele origin: germline. Affected: yes. Observed: 2 variant alleles.

Blueprint Genetics
Classification: Uncertain significance. Last evaluated: 2020-11-10. Review status: criteria provided, single submitter. Criteria: ACMG Guidelines, 2015. Collection method: clinical testing. Allele origin: germline.

Literature cited by the submitters: PubMed 27879313 (cited by Color Diagnostics, LLC DBA Color Health and Labcorp Genetics (formerly Invitae), Labcorp).